The following is an entry in ClinVar:

NM_001009944.3(PKD1):c.728C>G (p.Ala243Gly)

Gene: PKD1 (polycystin 1, transient receptor potential channel interacting; minus strand). Cytogenetic location: 16p13.3.
Variant type: single nucleotide variant.
Coding change: c.728C>G on transcript NM_001009944.3 (MANE Select); coding-DNA position 728, C replaced by G.
Protein change: p.Ala243Gly; replaces alanine 243 with glycine.
Molecular consequence: missense variant.
Genome position (GRCh38, 1-based): chr16:2,118,264, G>C on the plus strand (C>G on the coding strand, the complement: PKD1 is on the minus strand). VCF-style: chr16-2118264-G-C. GRCh37 (hg19) VCF-style: chr16-2168265-G-C.
Other names: c.728C>G, p.Ala243Gly (NM_000296.4); short protein forms A243G.
Identifiers: ClinVar variation 3366447 (VCV003366447.1).
Genomic context (GRCh38, chr16:2,118,264, plus strand): 5'-GTGGGGCCCCTACAGGTGGGGGCAGGAGGTGGCGGGGGGCCGGAGCAGAGGGACAGGCAG[G>C]CAAAGGAGGCACTGGAGGGCTGGGCCGCCCCACACAGGCACCAGCCCTGCTCCGAGAGGG-3'
Protein context (NP_001009944.3, residues 233-253): GAAQPSSASF[Ala243Gly]CLSLCSGPPP

ClinVar aggregate classification (germline): Uncertain significance (1 of 4 stars; one submission).

Submission:

Women's Health and Genetics/Laboratory Corporation of America, LabCorp
Classification: Uncertain significance. Last evaluated: 2024-08-07. Review status: criteria provided, single submitter. Criteria: LabCorp Variant Classification Summary - May 2015. Collection method: clinical testing. Allele origin: germline.
Comment: Variant summary: PKD1 c.728C>G (p.Ala243Gly) results in a non-conservative amino acid change located in the Carbohydrate-binding WSC domain (IPR002889) of the encoded protein sequence. Four of five in-silico tools predict a benign effect of the variant on protein function. The variant was absent in 140622 control chromosomes. The available data on variant occurrences in the general population are insufficient to allow any conclusion about variant significance. To our knowledge, no occurrence of c.728C>G in individuals affected with Polycystic Kidney Disease and no experimental evidence demonstrating its impact on protein function have been reported. No submitters have cited clinical-significance assessments for this variant to ClinVar. Based on the evidence outlined above, the variant was classified as uncertain significance.